The following is an entry in ClinVar:

ClinVar aggregate classification (germline): Uncertain significance (1 of 4 stars; one submission).

Submission:

Labcorp Genetics (formerly Invitae), Labcorp
Classification: Uncertain significance. Last evaluated: 2023-10-13. Review status: criteria provided, single submitter. Criteria: Invitae Variant Classification Sherloc (09022015). Collection method: clinical testing. Allele origin: germline.
Comment: This sequence change replaces arginine, which is basic and polar, with threonine, which is neutral and polar, at codon 2662 of the KMT2A protein (p.Arg2662Thr). This variant is not present in population databases (gnomAD no frequency). This variant has not been reported in the literature in individuals affected with KMT2A-related conditions. ClinVar contains an entry for this variant (Variation ID: 1720556). Advanced modeling of protein sequence and biophysical properties (such as structural, functional, and spatial information, amino acid conservation, physicochemical variation, residue mobility, and thermodynamic stability) performed at Invitae indicates that this missense variant is not expected to disrupt KMT2A protein function. In summary, the available evidence is currently insufficient to determine the role of this variant in disease. Therefore, it has been classified as a Variant of Uncertain Significance.

NM_001197104.2(KMT2A):c.7985G>C (p.Arg2662Thr)

Gene: KMT2A (lysine methyltransferase 2A; plus strand). Cytogenetic location: 11q23.3.
Variant type: single nucleotide variant.
Coding change: c.7985G>C on transcript NM_001197104.2 (MANE Select); coding-DNA position 7985, G replaced by C.
Protein change: p.Arg2662Thr; replaces arginine 2662 with threonine.
Molecular consequence: missense variant.
Genome position (GRCh38, 1-based): chr11:118,503,877, G>C. VCF-style: chr11-118503877-G-C. GRCh37 (hg19) VCF-style: chr11-118374592-G-C.
Other names: c.8075G>C, p.Arg2692Thr (NM_001412597.1); c.7976G>C, p.Arg2659Thr (NM_005933.4); short protein forms R2659T, R2662T, R2692T.
Identifiers: ClinVar variation 1720556 (VCV001720556.5), dbSNP rs2134395751, ClinGen allele CA382808116.